The following is an entry in ClinVar:

ClinVar aggregate classification (germline): Uncertain significance. Review status: criteria provided, multiple submitters, no conflicts (2 of 4 stars). 3 submissions from 3 submitters: Uncertain significance (3). Last evaluated 2025-12-30.

Conditions:
Inborn genetic diseases. Identifiers: MedGen C0950123, MeSH D030342.

Allele frequency attached by ClinVar (database versions not stated): gnomAD 0.00003.

Submissions (3):

Labcorp Genetics (formerly Invitae), Labcorp
Classification: Uncertain significance. Last evaluated: 2025-12-30. Review status: criteria provided, single submitter. Criteria: Invitae Variant Classification Sherloc (09022015). Collection method: clinical testing. Allele origin: germline.
Comment: This sequence change replaces threonine, which is neutral and polar, with methionine, which is neutral and non-polar, at codon 7 of the GH1 protein (p.Thr7Met). This variant is present in population databases (rs768782282, gnomAD 0.04%). This variant has not been reported in the literature in individuals affected with GH1-related conditions. ClinVar contains an entry for this variant (Variation ID: 2158736). An algorithm developed to predict the effect of missense changes on protein structure and function (PolyPhen-2) suggests that this variant is likely to be tolerated. In summary, the available evidence is currently insufficient to determine the role of this variant in disease. Therefore, it has been classified as a Variant of Uncertain Significance.

Ambry Genetics
Classification: Uncertain significance for Inborn genetic diseases. Last evaluated: 2025-04-03. Review status: criteria provided, single submitter. Criteria: Ambry Variant Classification Scheme 2023. Collection method: clinical testing. Allele origin: germline.

Blueprint Genetics
Classification: Uncertain significance. Last evaluated: 2021-04-26. Review status: criteria provided, single submitter. Criteria: ACMG Guidelines, 2015. Collection method: clinical testing. Allele origin: germline.

NM_000515.5(GH1):c.20C>T (p.Thr7Met)

Genes: GH-LCR (growth hormone locus control region; plus strand), GH1 (growth hormone 1; minus strand). Cytogenetic location: 17q23.3.
Variant type: single nucleotide variant.
Coding change: c.20C>T on transcript NM_000515.5 (MANE Select); coding-DNA position 20, C replaced by T.
Protein change: p.Thr7Met; replaces threonine 7 with methionine.
Molecular consequence: missense variant.
Genome position (GRCh38, 1-based): chr17:63,918,497, G>A on the plus strand (C>T on the coding strand, the complement: GH1 is on the minus strand). VCF-style: chr17-63918497-G-A. GRCh37 (hg19) VCF-style: chr17-61995857-G-A.
Other names: c.20C>T, p.Thr7Met (NM_022559.4, NM_022560.4); c.20C>T (NM_000515.3); short protein forms T7M.
Identifiers: ClinVar variation 2158736 (VCV002158736.8), dbSNP rs768782282, ClinGen allele CA8708381.